The following is an entry in ClinVar:

NM_005956.4(MTHFD1):c.2225T>C (p.Ile742Thr)

Gene: MTHFD1 (methylenetetrahydrofolate dehydrogenase, cyclohydrolase and formyltetrahydrofolate synthetase 1; plus strand). Cytogenetic location: 14q23.3.
Variant type: single nucleotide variant.
Coding change: c.2225T>C on transcript NM_005956.4 (MANE Select); coding-DNA position 2225, T replaced by C.
Protein change: p.Ile742Thr; replaces isoleucine 742 with threonine.
Molecular consequence: missense variant.
Genome position (GRCh38, 1-based): chr14:64,448,263, T>C. VCF-style: chr14-64448263-T-C. GRCh37 (hg19) VCF-style: chr14-64914981-T-C.
Other names: c.2225T>C, p.Ile742Thr (NM_001364837.1); short protein forms I742T.
Identifiers: ClinVar variation 1909542 (VCV001909542.4), dbSNP rs769605752, ClinGen allele CA7226540.
Genomic context (GRCh38, chr14:64,448,263, plus strand): 5'-TGTTGTTTTTACAGAACCTGGAGCTGGTTGAAAAAGGCTTCAGTAACTTGAAGAAACAAA[T>C]TGAAAATGCCAGAATGTTTGGAATTCCAGTAGTAGTGGCCGTGAATGCATTCAAGTAAGT-3'
Protein context (NP_005947.3, residues 732-752): EKGFSNLKKQ[Ile742Thr]ENARMFGIPV

ClinVar aggregate classification (germline): Uncertain significance (1 of 4 stars; one submission).

Allele frequency attached by ClinVar (database versions not stated): gnomAD 0.00001; TOPMed 0.00001; ExAC 0.00002; gnomAD exomes 0.00002.
gnomAD v4.1: 30 of 1,614,028 alleles (0.0019%); highest among the groups gnomAD compares: Non-Finnish European, 0.0024%; no homozygotes.

Submission:

Labcorp Genetics (formerly Invitae), Labcorp
Classification: Uncertain significance. Last evaluated: 2024-01-31. Review status: criteria provided, single submitter. Criteria: Invitae Variant Classification Sherloc (09022015). Collection method: clinical testing. Allele origin: germline.
Comment: This sequence change replaces isoleucine, which is neutral and non-polar, with threonine, which is neutral and polar, at codon 742 of the MTHFD1 protein (p.Ile742Thr). This variant is present in population databases (rs769605752, gnomAD 0.002%). This variant has not been reported in the literature in individuals affected with MTHFD1-related conditions. ClinVar contains an entry for this variant (Variation ID: 1909542). Advanced modeling of protein sequence and biophysical properties (such as structural, functional, and spatial information, amino acid conservation, physicochemical variation, residue mobility, and thermodynamic stability) performed at Invitae indicates that this missense variant is expected to disrupt MTHFD1 protein function with a positive predictive value of 80%. In summary, the available evidence is currently insufficient to determine the role of this variant in disease. Therefore, it has been classified as a Variant of Uncertain Significance.